The following is an entry in ClinVar:

NM_001458.5(FLNC):c.7550del (p.Gly2517fs)

Genes: FLNC (filamin C; plus strand), FLNC-AS1 (FLNC antisense RNA 1; minus strand). Cytogenetic location: 7q32.1.
Variant type: Deletion.
Coding change: c.7550del on transcript NM_001458.5 (MANE Select); coding-DNA position 7550, one base deleted (G; older notation c.7550delG).
Protein change: p.Gly2517fs; shifts the reading frame from glycine 2517.
Molecular consequence: frameshift variant.
Genome position (GRCh38, 1-based): chr7:128,856,910, G deleted; the last of 3 consecutive G bases (chr7:128,856,908-128,856,910); deleting any one gives the same sequence. VCF-style (leftmost placement, unchanged base first): chr7-128856907-AG-A. GRCh37 (hg19) VCF-style: chr7-128496961-AG-A.
Other names: c.7451del, p.Gly2484fs (NM_001127487.2); short protein forms G2484fs, G2517fs.
Identifiers: ClinVar variation 4025605 (VCV004025605.1).

ClinVar aggregate classification (germline): Pathogenic (1 of 4 stars; one submission).

Conditions:
Cardiovascular phenotype. Identifiers: MedGen CN230736.

Submission:

Ambry Genetics
Classification: Pathogenic for Cardiovascular phenotype. Last evaluated: 2025-04-17. Review status: criteria provided, single submitter. Criteria: Ambry Variant Classification Scheme 2023. Collection method: clinical testing. Allele origin: germline.
Comment: The c.7550delG pathogenic mutation, located in coding exon 45 of the FLNC gene, results from a deletion of one nucleotide at nucleotide position 7550, causing a translational frameshift with a predicted alternate stop codon (p.G2517Efs*12). This variant is considered to be rare based on population cohorts in the Genome Aggregation Database (gnomAD). This alteration is expected to result in loss of function by premature protein truncation or nonsense-mediated mRNA decay. As such, this alteration is interpreted as a disease-causing mutation for FLNC-related dilated cardiomyopathy; however, its clinical significance for FLNC-related hypertrophic/restrictive cardiomyopathy and/or skeletal myopathy is uncertain.